The following is an entry in ClinVar:

ClinVar aggregate classification (germline): Benign (1 of 4 stars; one submission).

Conditions:
Charcot-Marie-Tooth disease type 1C. Also called: CHARCOT-MARIE-TOOTH DISEASE, DEMYELINATING, TYPE 1C; CMT, SLOW NERVE CONDUCTION TYPE C; HMSN IC; Charcot-Marie-Tooth disease, type IC; CHARCOT-MARIE-TOOTH NEUROPATHY, TYPE 1C; NEUROPATHY, HEREDITARY MOTOR AND SENSORY, TYPE IC. Identifiers: Orphanet 101083, MedGen C0270913, MONDO:0010995, OMIM 601098.

Allele frequency attached by ClinVar (database versions not stated): gnomAD 0.00024 and 0.00034; gnomAD exomes 0.00040 and 0.00105; 1000 Genomes Project 0.00240; 1000 Genomes Project 30x 0.00312; ExAC 0.00009; TOPMed 0.00042.
gnomAD v4.1: 171 of 453,472 alleles (0.038%); highest among the groups gnomAD compares: East Asian, 1.1%; 2 homozygotes.

Submission:

Illumina Laboratory Services, Illumina
Classification: Benign for Charcot-Marie-Tooth disease type 1C. Last evaluated: 2018-01-13. Review status: criteria provided, single submitter. Criteria: ICSL Variant Classification Criteria 13 December 2019. Collection method: clinical testing. Allele origin: germline.
Comment: This variant was observed in the ICSL laboratory as part of a predisposition screen in an ostensibly healthy population. It had not been previously curated by ICSL or reported in the Human Gene Mutation Database (HGMD: prior to June 1st, 2018), and was therefore a candidate for classification through an automated scoring system. Utilizing variant allele frequency, disease prevalence and penetrance estimates, and inheritance mode, an automated score was calculated to assess if this variant is too frequent to cause the disease. Based on the score and internal cut-off values, a variant classified as benign is not then subjected to further curation. The score for this variant resulted in a classification of benign for this disease.

NM_001136472.2(LITAF):c.*904G>A

Gene: LITAF (lipopolysaccharide induced TNF factor; minus strand). Cytogenetic location: 16p13.13.
Variant type: single nucleotide variant.
Coding change: c.*904G>A on transcript NM_001136472.2 (MANE Select); 904 bases downstream of the stop codon, G replaced by A.
Molecular consequence: 3 prime UTR variant. On other transcripts: non-coding transcript variant (1).
Genome position (GRCh38, 1-based): chr16:11,548,733, C>T on the plus strand (G>A on the coding strand, the complement: LITAF is on the minus strand). VCF-style: chr16-11548733-C-T. GRCh37 (hg19) VCF-style: chr16-11642589-C-T.
Other names: c.*1029G>A (NM_001136473.1); c.*904G>A (NM_004862.4).
Identifiers: ClinVar variation 317761 (VCV000317761.5), dbSNP rs192766322, ClinGen allele CA7903923.